The following is an entry in ClinVar:

ClinVar aggregate classification (germline): Uncertain significance (1 of 4 stars; one submission).

Conditions:
Hereditary cancer-predisposing syndrome. Also called: Tumor predisposition; Hereditary neoplastic syndrome; Hereditary Cancer Syndrome; Neoplastic Syndromes, Hereditary. Identifiers: Orphanet 140162, MedGen C0027672, MeSH D009386, MONDO:0015356.

Submission:

Ambry Genetics
Classification: Uncertain significance for Hereditary cancer-predisposing syndrome. Last evaluated: 2025-11-14. Review status: criteria provided, single submitter. Criteria: Ambry Variant Classification Scheme 2023. Collection method: clinical testing. Allele origin: germline.
Comment: The p.N297H variant (also known as c.889A>C), located in coding exon 7 of the CDH1 gene, results from an A to C substitution at nucleotide position 889. The asparagine at codon 297 is replaced by histidine, an amino acid with similar properties. This amino acid position is conserved. In addition, the in silico prediction for this alteration is inconclusive. Based on the available evidence, the clinical significance of this variant remains unclear.

NM_004360.5(CDH1):c.889A>C (p.Asn297His)

Gene: CDH1 (cadherin 1; plus strand). Cytogenetic location: 16q22.1.
Variant type: single nucleotide variant.
Coding change: c.889A>C on transcript NM_004360.5 (MANE Select); coding-DNA position 889, A replaced by C.
Protein change: p.Asn297His; replaces asparagine 297 with histidine.
Molecular consequence: missense variant. On other transcripts: 5 prime UTR variant (2).
Genome position (GRCh38, 1-based): chr16:68,811,740, A>C. VCF-style: chr16-68811740-A-C. GRCh37 (hg19) VCF-style: chr16-68845643-A-C.
Other names: c.889A>C, p.Asn297His (NM_001317184.2); c.-727A>C (NM_001317185.2); c.-931A>C (NM_001317186.2); short protein forms N297H.
Identifiers: ClinVar variation 3224192 (VCV003224192.2), dbSNP rs1960837220, ClinGen allele CA396459657.